The following is an entry in ClinVar:

ClinVar aggregate classification (germline): Likely pathogenic. Review status: reviewed by expert panel (3 of 4 stars). 5 submissions from 5 submitters: Likely pathogenic (1). 4 of the submissions do not count toward it. Last evaluated 2026-06-23.

Conditions:
Galactosemia. Also called: Galactose intolerance. Identifiers: Orphanet 352, MedGen C0016952, MONDO:0018116, HP:0004919. Disease mechanism: loss of function.
Deficiency of UDPglucose-hexose-1-phosphate uridylyltransferase. Also called: GALACTOSE-1-PHOSPHATE URIDYLYLTRANSFERASE DEFICIENCY; GALT deficiency; Galactosemia, classic; Transferase Deficiency Galactosemia; GALACTOSEMIA I. Identifiers: Orphanet 352, Orphanet 79239, MedGen C0268151, MONDO:0009258, OMIM 230400.

gnomAD v4.1: 1 of 1,614,134 alleles (0.000062%); highest among the groups gnomAD compares: Non-Finnish European, 0.000085%; no homozygotes.

Submissions (5):

Clingen Galactosemia Variant Curation Expert Panel, ClinGen
Classification: Likely pathogenic for Galactosemia. Last evaluated: 2026-06-23. Review status: reviewed by expert panel. Criteria: ClinGen Galactosemia ACMG Specifications GALT V1.1. Collection method: curation. Allele origin: germline. Inheritance: Autosomal recessive inheritance.
Comment: The c.267C>G (p.Tyr89Ter) (NM_000155.4) variant in GALT is a nonsense variant predicted to cause a premature stop codon in biologically-relevant-exon 3/11 leading to nonsense mediated decay in a gene in which loss-of-function is an established disease mechanism (PVS1; PMIDs: 2940989, 22944367). Additionally, this truncation would eliminate the active site. This variant was only detected on one chromosome by gnomAD v4.1.0, which is lower than the ClinGen Galactosemia threshold (≤ 0.0005) for PM2_Supporting, and therefore meets this criterion (PM2_Supporting). In summary, the ClinGen Galactosemia VCEP classified the variant as likely pathogenic based on PVS1 + PM2_supporting (GALT specifications v1.0.0).

Natera, Inc.
Classification: Likely pathogenic for Galactosemia. Last evaluated: 2026-01-28. Review status: criteria provided, single submitter. Criteria: Natera Variant Classification Schema (03/2026). Collection method: clinical testing. Allele origin: germline. Not counted in ClinVar's aggregate classification.
Comment: The c.267C>G variant in GALT is a nonsense variant predicted to introduce a stop codon at amino acid 89. This variant is expected to result in nonsense mediated decay, truncation, or a dysfunctional protein product. This variant is rare in the general population with a frequency below the threshold expected for the associated phenotype(s). Given the available evidence, this variant is classified as Likely Pathogenic.

GeneDx
Classification: Likely pathogenic. Last evaluated: 2025-04-13. Review status: criteria provided, single submitter. Criteria: GeneDx Variant Classification Process June 2021. Collection method: clinical testing. Allele origin: germline. Affected: yes. Not counted in ClinVar's aggregate classification.
Comment: Nonsense variant predicted to result in protein truncation or nonsense mediated decay in a gene for which loss of function is a known mechanism of disease; Not observed at significant frequency in large population cohorts (gnomAD); Observed in an individual evaluated for preconceptual carrier screening (PMID: 30275481); This variant is associated with the following publications: (PMID: 30275481)

Labcorp Genetics (formerly Invitae), Labcorp
Classification: Pathogenic for Deficiency of UDPglucose-hexose-1-phosphate uridylyltransferase. Last evaluated: 2023-07-31. Review status: criteria provided, single submitter. Criteria: Invitae Variant Classification Sherloc (09022015). Collection method: clinical testing. Allele origin: germline. Not counted in ClinVar's aggregate classification.
Comment: For these reasons, this variant has been classified as Pathogenic. Algorithms developed to predict the effect of sequence changes on RNA splicing suggest that this variant may disrupt the consensus splice site. This variant has not been reported in the literature in individuals affected with GALT-related conditions. This variant is not present in population databases (gnomAD no frequency). This sequence change creates a premature translational stop signal (p.Tyr89*) in the GALT gene. It is expected to result in an absent or disrupted protein product. Loss-of-function variants in GALT are known to be pathogenic (PMID: 22944367).

Baylor Genetics
Classification: Likely pathogenic for Deficiency of UDPglucose-hexose-1-phosphate uridylyltransferase. Last evaluated: 2023-04-29. Review status: criteria provided, single submitter. Criteria: ACMG Guidelines, 2015. Collection method: clinical testing. Allele origin: unknown. Not counted in ClinVar's aggregate classification.

Literature cited by the submitters: PubMed 22944367 (cited by Labcorp Genetics (formerly Invitae), Labcorp).

NM_000155.4(GALT):c.267C>G (p.Tyr89Ter)

Gene: GALT (galactose-1-phosphate uridylyltransferase; plus strand). Cytogenetic location: 9p13.3.
Variant type: single nucleotide variant.
Coding change: c.267C>G on transcript NM_000155.4 (MANE Select); coding-DNA position 267, C replaced by G.
Protein change: p.Tyr89Ter; replaces tyrosine 89 with a stop codon.
Molecular consequence: nonsense. On other transcripts: intron variant (1).
Genome position (GRCh38, 1-based): chr9:34,647,506, C>G. VCF-style: chr9-34647506-C-G. GRCh37 (hg19) VCF-style: chr9-34647503-C-G.
Other names: NM_000155.4(GALT):c.267C>G; p.Tyr89Ter; c.267C>G (NM_000155.3, NM_000155.2); c.50+248C>G (NM_001258332.2); short protein forms Y89*.
Identifiers: ClinVar variation 2675829 (VCV002675829.7), dbSNP rs145628307, ClinGen allele CA373279118.